The following is an entry in ClinVar:

ClinVar aggregate classification (germline): Uncertain significance (1 of 4 stars; one submission).

Submission:

Labcorp Genetics (formerly Invitae), Labcorp
Classification: Uncertain significance. Last evaluated: 2024-06-04. Review status: criteria provided, single submitter. Criteria: Invitae Variant Classification Sherloc (09022015). Collection method: clinical testing. Allele origin: germline.
Comment: This sequence change replaces glycine, which is neutral and non-polar, with serine, which is neutral and polar, at codon 325 of the SRP54 protein (p.Gly325Ser). This variant also falls at the last nucleotide of exon 11, which is part of the consensus splice site for this exon. This variant is not present in population databases (gnomAD no frequency). This variant has not been reported in the literature in individuals affected with SRP54-related conditions. An algorithm developed to predict the effect of missense changes on protein structure and function (PolyPhen-2) suggests that this variant is likely to be disruptive. Variants that disrupt the consensus splice site are a relatively common cause of aberrant splicing (PMID: 17576681, 9536098). Algorithms developed to predict the effect of sequence changes on RNA splicing suggest that this variant may disrupt the consensus splice site. In summary, the available evidence is currently insufficient to determine the role of this variant in disease. Therefore, it has been classified as a Variant of Uncertain Significance.

Literature cited by the submitters: PubMed 17576681; PubMed 9536098.

NM_003136.4(SRP54):c.973G>A (p.Gly325Ser)

Gene: SRP54 (signal recognition particle 54; plus strand). Cytogenetic location: 14q13.2.
Variant type: single nucleotide variant.
Coding change: c.973G>A on transcript NM_003136.4 (MANE Select); coding-DNA position 973, G replaced by A.
Protein change: p.Gly325Ser; replaces glycine 325 with serine.
Molecular consequence: missense variant.
Genome position (GRCh38, 1-based): chr14:35,014,830, G>A. VCF-style: chr14-35014830-G-A. GRCh37 (hg19) VCF-style: chr14-35484036-G-A.
Other names: c.826G>A, p.Gly276Ser (NM_001146282.2); c.973G>A, p.Gly325Ser (NM_001411017.1); short protein forms G276S, G325S.
Identifiers: ClinVar variation 3698433 (VCV003698433.2).